The following is an entry in ClinVar:

ClinVar aggregate classification (germline): Uncertain significance (1 of 4 stars; one submission).

Submission:

Labcorp Genetics (formerly Invitae), Labcorp
Classification: Uncertain significance. Last evaluated: 2022-07-23. Review status: criteria provided, single submitter. Criteria: Invitae Variant Classification Sherloc (09022015). Collection method: clinical testing. Allele origin: germline.
Comment: In summary, the available evidence is currently insufficient to determine the role of this variant in disease. Therefore, it has been classified as a Variant of Uncertain Significance. Algorithms developed to predict the effect of missense changes on protein structure and function are either unavailable or do not agree on the potential impact of this missense change (SIFT: "Deleterious"; PolyPhen-2: "Probably Damaging"; Align-GVGD: "Class C0"). This variant has not been reported in the literature in individuals affected with DNAH9-related conditions. This variant is not present in population databases (gnomAD no frequency). This sequence change replaces leucine, which is neutral and non-polar, with proline, which is neutral and non-polar, at codon 3640 of the DNAH9 protein (p.Leu3640Pro).

NM_001372.4(DNAH9):c.10919T>C (p.Leu3640Pro)

Genes: DNAH9 (dynein axonemal heavy chain 9; plus strand), LOC101928350 (uncharacterized LOC101928350; minus strand). Cytogenetic location: 17p12.
Variant type: single nucleotide variant.
Coding change: c.10919T>C on transcript NM_001372.4 (MANE Select); coding-DNA position 10919, T replaced by C.
Protein change: p.Leu3640Pro; replaces leucine 3640 with proline.
Molecular consequence: missense variant. On other transcripts: 5 prime UTR variant (1).
Genome position (GRCh38, 1-based): chr17:11,883,698, T>C. VCF-style: chr17-11883698-T-C. GRCh37 (hg19) VCF-style: chr17-11787015-T-C.
Other names: c.-146T>C (NM_004662.2); short protein forms L3640P.
Identifiers: ClinVar variation 1713484 (VCV001713484.6), dbSNP rs1972797560, ClinGen allele CA398198782.